The following is an entry in ClinVar:

ClinVar aggregate classification (germline): Uncertain significance (1 of 4 stars; one submission).

gnomAD v4.1: 2 of 1,614,092 alleles (0.00012%); highest among the groups gnomAD compares: Non-Finnish European, 0.00017%; no homozygotes.

Submission:

Labcorp Genetics (formerly Invitae), Labcorp
Classification: Uncertain significance. Last evaluated: 2026-01-28. Review status: criteria provided, single submitter. Criteria: Invitae Variant Classification Sherloc (09022015). Collection method: clinical testing. Allele origin: germline.
Comment: This sequence change replaces lysine, which is basic and polar, with asparagine, which is neutral and polar, at codon 14 of the CYP11A1 protein (p.Lys14Asn). This variant is not present in population databases (gnomAD no frequency). This variant has not been reported in the literature in individuals affected with CYP11A1-related conditions. Invitae Evidence Modeling of protein sequence and biophysical properties (such as structural, functional, and spatial information, amino acid conservation, physicochemical variation, residue mobility, and thermodynamic stability) has been performed for this missense variant. However, the output from this modeling did not meet the statistical confidence thresholds required to predict the impact of this variant on CYP11A1 protein function. In summary, the available evidence is currently insufficient to determine the role of this variant in disease. Therefore, it has been classified as a Variant of Uncertain Significance.

NM_000781.3(CYP11A1):c.42A>T (p.Lys14Asn)

Gene: CYP11A1 (cytochrome P450 family 11 subfamily A member 1; minus strand). Cytogenetic location: 15q24.1.
Variant type: single nucleotide variant.
Coding change: c.42A>T on transcript NM_000781.3 (MANE Select); coding-DNA position 42, A replaced by T.
Protein change: p.Lys14Asn; replaces lysine 14 with asparagine.
Molecular consequence: missense variant.
Genome position (GRCh38, 1-based): chr15:74,367,544, T>A on the plus strand (A>T on the coding strand, the complement: CYP11A1 is on the minus strand). VCF-style: chr15-74367544-T-A. GRCh37 (hg19) VCF-style: chr15-74659885-T-A.
Other names: short protein forms K14N.
Identifiers: ClinVar variation 4781836 (VCV004781836.1).
Genomic context (GRCh38, chr15:74,367,544, plus strand): 5'-AGTGGGCACCCTGAGACGCCCCAGCCCCTCCCTGGGGGCACTCAGAAAGGTCTGGCAGCC[T>A]TTGACCAGGACTGAGCGTGGGGGAAGACCCTTGGCCAGCATGCTGTCCCCACAGCTGTGA-3'
Protein context (NP_000772.2, residues 4-24): KGLPPRSVLV[Lys14Asn]GCQTFLSAPR